The following is an entry in ClinVar:

NM_182706.5(SCRIB):c.2229G>A (p.Ala743=)

Gene: SCRIB (scribble planar cell polarity protein; minus strand). Cytogenetic location: 8q24.3.
Variant type: single nucleotide variant.
Coding change: c.2229G>A on transcript NM_182706.5 (MANE Select); coding-DNA position 2229, G replaced by A.
Protein change: p.Ala743=; no amino-acid change (alanine 743 retained).
Molecular consequence: synonymous variant.
Genome position (GRCh38, 1-based): chr8:143,806,963, C>T on the plus strand (G>A on the coding strand, the complement: SCRIB is on the minus strand). VCF-style: chr8-143806963-C-T. GRCh37 (hg19) VCF-style: chr8-144889133-C-T.
Other names: c.2229G>A, p.Ala743= (NM_015356.5); c.2229G>A (NM_182706.3).
Identifiers: ClinVar variation 3045027 (VCV003045027.3), dbSNP rs367817214, ClinGen allele CA4919247.

ClinVar aggregate classification (germline): Likely benign. Review status: criteria provided, single submitter (1 of 4 stars). 2 submissions from 2 submitters: Likely benign (1). 1 of the submissions does not count toward it. Last evaluated 2025-03-08.

Conditions:
SCRIB-related disorder. Also called: SCRIB-related condition.

Allele frequency attached by ClinVar (database versions not stated): ExAC 0.00004; gnomAD exomes 0.00004; TOPMed 0.00006; ESP Exome Variant Server 0.00008; gnomAD 0.00015.

Submissions (2):

Ambry Genetics
Classification: Likely benign. Last evaluated: 2025-03-08. Review status: criteria provided, single submitter. Criteria: Ambry Variant Classification Scheme 2023. Collection method: clinical testing. Allele origin: germline.

PreventionGenetics, part of Exact Sciences
Classification: Likely benign for SCRIB-related condition. Last evaluated: 2019-10-30. Review status: no assertion criteria provided. Collection method: clinical testing. Allele origin: germline. Not counted in ClinVar's aggregate classification.
Comment: This variant is classified as likely benign based on ACMG/AMP sequence variant interpretation guidelines (Richards et al. 2015 PMID: 25741868, with internal and published modifications).